The following is an entry in ClinVar:

NM_001987.5(ETV6):c.88T>C (p.Ser30Pro)

Gene: ETV6 (ETS variant transcription factor 6; plus strand). Cytogenetic location: 12p13.2.
Variant type: single nucleotide variant.
Coding change: c.88T>C on transcript NM_001987.5 (MANE Select); coding-DNA position 88, T replaced by C.
Protein change: p.Ser30Pro; replaces serine 30 with proline.
Molecular consequence: missense variant. On other transcripts: intron variant (1).
Genome position (GRCh38, 1-based): chr12:11,752,504, T>C. VCF-style: chr12-11752504-T-C. GRCh37 (hg19) VCF-style: chr12-11905438-T-C.
Other names: c.85T>C, p.Ser29Pro (NM_001413913.1); c.61T>C, p.Ser21Pro (NM_001413914.1); c.88T>C, p.Ser30Pro (NM_001413916.1, NM_001413917.1, NM_001413918.1); c.-101-86636T>C (NM_001413915.1); short protein forms S30P, S29P, S21P.
Identifiers: ClinVar variation 5036194 (VCV005036194.1).

ClinVar aggregate classification (germline): Uncertain significance (1 of 4 stars; one submission).

Conditions:
Inborn genetic diseases. Identifiers: MedGen C0950123, MeSH D030342.

gnomAD v4.1: 2 of 1,614,078 alleles (0.00012%); highest among the groups gnomAD compares: Middle Eastern, 0.033%; no homozygotes.

Submission:

Ambry Genetics
Classification: Uncertain significance for Inborn genetic diseases. Last evaluated: 2026-07-07. Review status: criteria provided, single submitter. Criteria: Ambry Variant Classification Scheme 2023. Collection method: clinical testing. Allele origin: germline.
Comment: The p.S30P variant (also known as c.88T>C), located in coding exon 2 of the ETV6 gene, results from a T to C substitution at nucleotide position 88. The serine at codon 30 is replaced by proline, an amino acid with similar properties. This amino acid position is conserved. In addition, the in silico prediction for this alteration is inconclusive. Based on the available evidence, the clinical significance of this variant remains unclear.